The following is an entry in ClinVar:

ClinVar aggregate classification (germline): Uncertain significance (1 of 4 stars; one submission).

Conditions:
Orofacial cleft 11 (OFC11). Also called: Orofacial cleft 11; ofc11; CLEFT LIP WITH OR WITHOUT CLEFT PALATE, NONSYNDROMIC, 11. Identifiers: MedGen C2677434, MONDO:0010906, OMIM 600625.
Microphthalmia with brain and digit anomalies (MCOPS6). Also called: Microphthalmia, syndromic 6; MICROPHTHALMIA AND PITUITARY ANOMALIES. Identifiers: Orphanet 139471, MedGen C1864689, MONDO:0011936, OMIM 607932.

Submission:

Labcorp Genetics (formerly Invitae), Labcorp
Classification: Uncertain significance for Microphthalmia with brain and digit anomalies; Orofacial cleft 11. Last evaluated: 2025-01-31. Review status: criteria provided, single submitter. Criteria: Invitae Variant Classification Sherloc (09022015). Collection method: clinical testing. Allele origin: germline.
Comment: This sequence change replaces tyrosine, which is neutral and polar, with asparagine, which is neutral and polar, at codon 397 of the BMP4 protein (p.Tyr397Asn). This variant is not present in population databases (gnomAD no frequency). This variant has not been reported in the literature in individuals affected with BMP4-related conditions. Invitae Evidence Modeling of protein sequence and biophysical properties (such as structural, functional, and spatial information, amino acid conservation, physicochemical variation, residue mobility, and thermodynamic stability) indicates that this missense variant is expected to disrupt BMP4 protein function with a positive predictive value of 80%. In summary, the available evidence is currently insufficient to determine the role of this variant in disease. Therefore, it has been classified as a Variant of Uncertain Significance.

NM_001202.6(BMP4):c.1189T>A (p.Tyr397Asn)

Gene: BMP4 (bone morphogenetic protein 4; minus strand). Cytogenetic location: 14q22.2.
Variant type: single nucleotide variant.
Coding change: c.1189T>A on transcript NM_001202.6 (MANE Select); coding-DNA position 1189, T replaced by A.
Protein change: p.Tyr397Asn; replaces tyrosine 397 with asparagine.
Molecular consequence: missense variant.
Genome position (GRCh38, 1-based): chr14:53,950,070, A>T on the plus strand (T>A on the coding strand, the complement: BMP4 is on the minus strand). VCF-style: chr14-53950070-A-T. GRCh37 (hg19) VCF-style: chr14-54416788-A-T.
Other names: c.1330T>A, p.Tyr444Asn (NM_001347912.1); c.1000T>A, p.Tyr334Asn (NM_001347913.2, NM_001347915.2, NM_001347917.1); c.1189T>A, p.Tyr397Asn (NM_001347914.2, NM_001347916.1, NM_130850.5 and 1 more transcripts); short protein forms Y334N, Y397N, Y444N.
Identifiers: ClinVar variation 3758085 (VCV003758085.2).
Genomic context (GRCh38, chr14:53,950,070, plus strand): 5'-TATCCTCAAGGACTGCCTGATCTCAGCGGCACCCACATCCCTCTACTACCATCTCCTGAT[A>T]ATTTTTCAGTACCACCTTATCATACTCATCCAGGTACAGCATGGAGATGGCACTCAGTTC-3'
Protein context (NP_001193.2, residues 387-407): DEYDKVVLKN[Tyr397Asn]QEMVVEGCGC